The following is an entry in ClinVar:

ClinVar aggregate classification (germline): Uncertain significance (1 of 4 stars; one submission).

Conditions:
Kabuki syndrome. Also called: NIIKAWA-KUROKI SYNDROME; Kabuki make-up syndrome. Identifiers: Orphanet 2322, MedGen C0796004, MONDO:0016512.

gnomAD v4.1: 3 of 1,614,050 alleles (0.00019%); highest among the groups gnomAD compares: Non-Finnish European, 0.00025%; no homozygotes.

Submission:

Labcorp Genetics (formerly Invitae), Labcorp
Classification: Uncertain significance for Kabuki syndrome. Last evaluated: 2024-05-19. Review status: criteria provided, single submitter. Criteria: Invitae Variant Classification Sherloc (09022015). Collection method: clinical testing. Allele origin: germline.
Comment: This sequence change replaces valine, which is neutral and non-polar, with isoleucine, which is neutral and non-polar, at codon 2642 of the KMT2D protein (p.Val2642Ile). This variant is not present in population databases (gnomAD no frequency). This variant has not been reported in the literature in individuals affected with KMT2D-related conditions. Advanced modeling of protein sequence and biophysical properties (such as structural, functional, and spatial information, amino acid conservation, physicochemical variation, residue mobility, and thermodynamic stability) performed at Invitae indicates that this missense variant is not expected to disrupt KMT2D protein function with a negative predictive value of 95%. In summary, the available evidence is currently insufficient to determine the role of this variant in disease. Therefore, it has been classified as a Variant of Uncertain Significance.

NM_003482.4(KMT2D):c.7924G>A (p.Val2642Ile)

Gene: KMT2D (lysine methyltransferase 2D; minus strand). Cytogenetic location: 12q13.12.
Variant type: single nucleotide variant.
Coding change: c.7924G>A on transcript NM_003482.4 (MANE Select); coding-DNA position 7924, G replaced by A.
Protein change: p.Val2642Ile; replaces valine 2642 with isoleucine.
Molecular consequence: missense variant.
Genome position (GRCh38, 1-based): chr12:49,039,846, C>T on the plus strand (G>A on the coding strand, the complement: KMT2D is on the minus strand). VCF-style: chr12-49039846-C-T. GRCh37 (hg19) VCF-style: chr12-49433629-C-T.
Other names: short protein forms V2642I.
Identifiers: ClinVar variation 3609903 (VCV003609903.2).